The following is an entry in ClinVar:

NM_022725.4(FANCF):c.19C>G (p.His7Asp)

Gene: FANCF (FA complementation group F; minus strand). Cytogenetic location: 11p14.3.
Variant type: single nucleotide variant.
Coding change: c.19C>G on transcript NM_022725.4 (MANE Select); coding-DNA position 19, C replaced by G.
Protein change: p.His7Asp; replaces histidine 7 with aspartic acid.
Molecular consequence: missense variant.
Genome position (GRCh38, 1-based): chr11:22,625,792, G>C on the plus strand (C>G on the coding strand, the complement: FANCF is on the minus strand). VCF-style: chr11-22625792-G-C. GRCh37 (hg19) VCF-style: chr11-22647338-G-C.
Other names: short protein forms H7D.
Identifiers: ClinVar variation 953785 (VCV000953785.10), dbSNP rs749273752, ClinGen allele CA5924455.

ClinVar aggregate classification (germline): Uncertain significance. Review status: criteria provided, multiple submitters, no conflicts (2 of 4 stars). 2 submissions from 2 submitters: Uncertain significance (2). Last evaluated 2024-05-22.

Conditions:
Fanconi anemia (FA). Also called: Fanconi's anemia. Identifiers: Orphanet 84, MedGen C0015625, MeSH D005199, MONDO:0019391.
Fanconi anemia complementation group F. Also called: FANCF-Related Fanconi Anemia. Identifiers: Orphanet 84, MedGen C3469526, MONDO:0011325, OMIM 603467.

Allele frequency attached by ClinVar (database versions not stated): ExAC 0.00001; gnomAD 0.00001; gnomAD exomes 0.00001.
gnomAD v4.1: 4 of 1,614,000 alleles (0.00025%); highest among the groups gnomAD compares: Admixed American, 0.0033%; no homozygotes.

Submissions (2):

Fulgent Genetics
Classification: Uncertain significance for Fanconi anemia complementation group F. Last evaluated: 2024-05-22. Review status: criteria provided, single submitter. Criteria: ACMG Guidelines, 2015. Collection method: clinical testing. Allele origin: germline.

Labcorp Genetics (formerly Invitae), Labcorp
Classification: Uncertain significance for Fanconi anemia. Last evaluated: 2023-12-14. Review status: criteria provided, single submitter. Criteria: Invitae Variant Classification Sherloc (09022015). Collection method: clinical testing. Allele origin: germline.
Comment: This sequence change replaces histidine, which is basic and polar, with aspartic acid, which is acidic and polar, at codon 7 of the FANCF protein (p.His7Asp). This variant is present in population databases (rs749273752, gnomAD 0.006%). This variant has not been reported in the literature in individuals affected with FANCF-related conditions. ClinVar contains an entry for this variant (Variation ID: 953785). Advanced modeling of protein sequence and biophysical properties (such as structural, functional, and spatial information, amino acid conservation, physicochemical variation, residue mobility, and thermodynamic stability) performed at Invitae indicates that this missense variant is not expected to disrupt FANCF protein function with a negative predictive value of 80%. In summary, the available evidence is currently insufficient to determine the role of this variant in disease. Therefore, it has been classified as a Variant of Uncertain Significance.